The following is an entry in ClinVar:

ClinVar aggregate classification (germline): Uncertain significance (1 of 4 stars; one submission).

Submission:

Ambry Genetics
Classification: Uncertain significance. Last evaluated: 2025-06-06. Review status: criteria provided, single submitter. Criteria: Ambry Variant Classification Scheme 2023. Collection method: clinical testing. Allele origin: germline.
Comment: The p.P500A variant (also known as c.1498C>G), located in coding exon 1 of the MLH3 gene, results from a C to G substitution at nucleotide position 1498. The proline at codon 500 is replaced by alanine, an amino acid with highly similar properties. This amino acid position is conserved. In addition, this alteration is predicted to be tolerated by in silico analysis. Since supporting evidence is limited at this time, the clinical significance of this alteration remains unclear.

NM_001040108.2(MLH3):c.1498C>G (p.Pro500Ala)

Gene: MLH3 (mutL homolog 3; minus strand). Cytogenetic location: 14q24.3.
Variant type: single nucleotide variant.
Coding change: c.1498C>G on transcript NM_001040108.2 (MANE Select); coding-DNA position 1498, C replaced by G.
Protein change: p.Pro500Ala; replaces proline 500 with alanine.
Molecular consequence: missense variant.
Genome position (GRCh38, 1-based): chr14:75,048,158, G>C on the plus strand (C>G on the coding strand, the complement: MLH3 is on the minus strand). VCF-style: chr14-75048158-G-C. GRCh37 (hg19) VCF-style: chr14-75514861-G-C.
Other names: c.1498C>G, p.Pro500Ala (NM_014381.3); short protein forms P500A.
Identifiers: ClinVar variation 1773920 (VCV001773920.3), dbSNP rs2503293944, ClinGen allele CA390445333.
Genomic context (GRCh38, chr14:75,048,158, plus strand): 5'-CCTCAAAGTGACATGGTGTCTGAAAAGGGCTTAAAAACATTTCTAAACTGGTTCCACACG[G>C]ATTTTCTAAAGAGCTATGTTCCAGGAAAGATTTTTTATGTTTCTCATTTTCTCCAGCTTC-3'
Protein context (NP_001035197.1, residues 490-510): SFLEHSSLEN[Pro500Ala]CGTSLEMFLS